The following is an entry in ClinVar:

ClinVar aggregate classification (germline): Uncertain significance. Review status: criteria provided, multiple submitters, no conflicts (2 of 4 stars). 4 submissions from 4 submitters: Uncertain significance (4). Last evaluated 2025-09-23.

Conditions:
Melanoma and neural system tumor syndrome. Also called: MELANOMA-ASTROCYTOMA SYNDROME. Identifiers: Orphanet 252206, MedGen C1835042, MONDO:0007967, OMIM 155755.
Familial melanoma. Also called: Hereditary melanoma; Hereditary cutaneous melanoma. Identifiers: Orphanet 618, MedGen C1512419, MONDO:0018961.
Hereditary cancer-predisposing syndrome. Also called: Tumor predisposition; Hereditary Cancer Syndrome; Neoplastic Syndromes, Hereditary; Hereditary neoplastic syndrome. Identifiers: Orphanet 140162, MedGen C0027672, MeSH D009386, MONDO:0015356.

Submissions (4):

Labcorp Genetics (formerly Invitae), Labcorp
Classification: Uncertain significance for Familial melanoma. Last evaluated: 2025-09-23. Review status: criteria provided, single submitter. Criteria: Invitae Variant Classification Sherloc (09022015). Collection method: clinical testing. Allele origin: germline.
Comment: This sequence change replaces arginine, which is basic and polar, with tryptophan, which is neutral and slightly polar, at codon 29 of the CDKN2A (p16INK4a) protein (p.Arg29Trp). This variant is not present in population databases (gnomAD no frequency). This variant has not been reported in the literature in individuals affected with CDKN2A (p16INK4a)-related conditions. ClinVar contains an entry for this variant (Variation ID: 483334). An algorithm developed to predict the effect of missense changes on protein structure and function (PolyPhen-2) suggests that this variant is likely to be disruptive. In summary, the available evidence is currently insufficient to determine the role of this variant in disease. Therefore, it has been classified as a Variant of Uncertain Significance.

Baylor Genetics
Classification: Uncertain significance for Melanoma and neural system tumor syndrome. Last evaluated: 2023-11-02. Review status: criteria provided, single submitter. Criteria: ACMG Guidelines, 2015. Collection method: clinical testing. Allele origin: unknown.

Ambry Genetics
Classification: Uncertain significance for Hereditary cancer-predisposing syndrome. Last evaluated: 2023-07-13. Review status: criteria provided, single submitter. Criteria: Ambry Variant Classification Scheme 2023. Collection method: clinical testing. Allele origin: germline.
Comment: The p.R29W variant (also known as c.85C>T), located in coding exon 1 of the CDKN2A gene, results from a C to T substitution at nucleotide position 85. The arginine at codon 29 is replaced by tryptophan, an amino acid with dissimilar properties. This amino acid position is not well conserved in available vertebrate species. In addition, the in silico prediction for this alteration is inconclusive. Since supporting evidence is limited at this time, the clinical significance of this alteration remains unclear.

Color Diagnostics, LLC DBA Color Health
Classification: Uncertain significance for Hereditary cancer-predisposing syndrome. Last evaluated: 2018-09-02. Review status: criteria provided, single submitter. Criteria: ACMG Guidelines, 2015. Collection method: clinical testing. Allele origin: germline.

NM_000077.5(CDKN2A):c.85C>T (p.Arg29Trp)

Gene: CDKN2A (cyclin dependent kinase inhibitor 2A; minus strand). Cytogenetic location: 9p21.3.
Variant type: single nucleotide variant.
Coding change: c.85C>T on transcript NM_000077.5; coding-DNA position 85, C replaced by T.
Protein change: p.Arg29Trp; replaces arginine 29 with tryptophan.
Molecular consequence: missense variant (on NM_000077.6). On other transcripts: intron variant (2).
Genome position (GRCh38, 1-based): chr9:21,974,743, G>A on the plus strand (C>T on the coding strand, the complement: CDKN2A is on the minus strand). VCF-style: chr9-21974743-G-A. GRCh37 (hg19) VCF-style: chr9-21974742-G-A.
Other names: c.85C>T, p.Arg29Trp (NM_000077.6, NM_001195132.2, NM_058197.5); c.-3-3535C>T (NM_001363763.2); c.194-3535C>T (NM_058195.4); short protein forms R29W.
Identifiers: ClinVar variation 483334 (VCV000483334.18), dbSNP rs1554656382, ClinGen allele CA373086589.